The following is an entry in ClinVar:

ClinVar aggregate classification (germline): Uncertain significance (1 of 4 stars; one submission).

gnomAD v4.1: 1 of 1,602,708 alleles (0.000062%); highest among the groups gnomAD compares: Non-Finnish European, 0.000085%; no homozygotes.

Submission:

GeneDx
Classification: Uncertain significance. Last evaluated: 2023-07-03. Review status: criteria provided, single submitter. Criteria: GeneDx Variant Classification Process June 2021. Collection method: clinical testing. Allele origin: germline. Affected: yes.
Comment: Not observed at significant frequency in large population cohorts (gnomAD); In silico analysis supports that this missense variant does not alter protein structure/function; Has not been previously published as pathogenic or benign to our knowledge

NM_057175.5(NAA15):c.1270A>G (p.Ile424Val)

Gene: NAA15 (N-alpha-acetyltransferase 15, NatA auxiliary subunit; plus strand). Cytogenetic location: 4q31.1.
Variant type: single nucleotide variant.
Coding change: c.1270A>G on transcript NM_057175.5 (MANE Select); coding-DNA position 1270, A replaced by G.
Protein change: p.Ile424Val; replaces isoleucine 424 with valine.
Molecular consequence: missense variant.
Genome position (GRCh38, 1-based): chr4:139,359,755, A>G. VCF-style: chr4-139359755-A-G. GRCh37 (hg19) VCF-style: chr4-140280909-A-G.
Other names: c.1270A>G, p.Ile424Val (NM_001410842.1); short protein forms I424V.
Identifiers: ClinVar variation 3360783 (VCV003360783.1).